The following is an entry in ClinVar:

ClinVar aggregate classification (germline): Uncertain significance (1 of 4 stars; one submission).

Submission:

GeneDx
Classification: Uncertain significance. Last evaluated: 2024-12-15. Review status: criteria provided, single submitter. Criteria: GeneDx Variant Classification Process June 2021. Collection method: clinical testing. Allele origin: germline. Affected: yes.
Comment: Not observed at significant frequency in large population cohorts (gnomAD); In silico analysis supports that this missense variant has a deleterious effect on protein structure/function; Has not been previously published as pathogenic or benign to our knowledge

NM_005045.4(RELN):c.5602T>G (p.Phe1868Val)

Gene: RELN (reelin; minus strand). Cytogenetic location: 7q22.1.
Variant type: single nucleotide variant.
Coding change: c.5602T>G on transcript NM_005045.4 (MANE Select); coding-DNA position 5602, T replaced by G.
Protein change: p.Phe1868Val; replaces phenylalanine 1868 with valine.
Molecular consequence: missense variant.
Genome position (GRCh38, 1-based): chr7:103,557,977, A>C on the plus strand (T>G on the coding strand, the complement: RELN is on the minus strand). VCF-style: chr7-103557977-A-C. GRCh37 (hg19) VCF-style: chr7-103198424-A-C.
Other names: c.5602T>G, p.Phe1868Val (NM_173054.3); short protein forms F1868V.
Identifiers: ClinVar variation 3906604 (VCV003906604.1).